The following is an entry in ClinVar:

ClinVar aggregate classification (germline): Pathogenic (1 of 4 stars; one submission).

Submission:

Labcorp Genetics (formerly Invitae), Labcorp
Classification: Pathogenic. Last evaluated: 2017-11-19. Review status: criteria provided, single submitter. Criteria: Invitae Variant Classification Sherloc (09022015). Collection method: clinical testing. Allele origin: germline.
Comment: This variant is not present in population databases (ExAC no frequency). For these reasons, this variant has been classified as Pathogenic. Loss-of-function variants in CLMP are known to be pathogenic (PMID: 22155368, 23460781, 27352967). This variant has not been reported in the literature in individuals with CLMP-related disease. This sequence change creates a premature translational stop signal (p.Gly141*) in the CLMP gene. It is expected to result in an absent or disrupted protein product.

Literature cited by the submitters: PubMed 22155368; PubMed 23460781; PubMed 27352967.

NM_024769.5(CLMP):c.421G>T (p.Gly141Ter)

Genes: CLMP (CXADR like cell adhesion molecule; minus strand), LOC112042785 (Sharpr-MPRA regulatory region 9139; plus strand). Cytogenetic location: 11q24.1.
Variant type: single nucleotide variant.
Coding change: c.421G>T on transcript NM_024769.5 (MANE Select); coding-DNA position 421, G replaced by T.
Protein change: p.Gly141Ter; replaces glycine 141 with a stop codon.
Molecular consequence: nonsense.
Genome position (GRCh38, 1-based): chr11:123,083,815, C>A on the plus strand (G>T on the coding strand, the complement: CLMP is on the minus strand). VCF-style: chr11-123083815-C-A. GRCh37 (hg19) VCF-style: chr11-122954523-C-A.
Other names: short protein forms G141*.
Identifiers: ClinVar variation 1069033 (VCV001069033.7), dbSNP rs2135468678, ClinGen allele CA383288083.